The following is an entry in ClinVar:

NM_000334.4(SCN4A):c.4352G>A (p.Arg1451His)

Genes: GH-LCR (growth hormone locus control region; plus strand), SCN4A (sodium voltage-gated channel alpha subunit 4; minus strand). Cytogenetic location: 17q23.3.
Variant type: single nucleotide variant.
Coding change: c.4352G>A on transcript NM_000334.4 (MANE Select); coding-DNA position 4352, G replaced by A.
Protein change: p.Arg1451His; replaces arginine 1451 with histidine.
Molecular consequence: missense variant.
Genome position (GRCh38, 1-based): chr17:63,941,930, C>T on the plus strand (G>A on the coding strand, the complement: SCN4A is on the minus strand). VCF-style: chr17-63941930-C-T. GRCh37 (hg19) VCF-style: chr17-62019290-C-T.
Other names: short protein forms R1451H.
Identifiers: ClinVar variation 448280 (VCV000448280.17), dbSNP rs748517635, ClinGen allele CA292957365.

ClinVar aggregate classification (germline): Conflicting classifications of pathogenicity. Review status: criteria provided, conflicting classifications (1 of 4 stars). 6 submissions from 5 submitters: Pathogenic (1); Uncertain significance (3). 2 of the submissions do not count toward it. Last evaluated 2026-01-15.

Conditions:
Hyperkalemic periodic paralysis. Also called: Gamstorp disease; Familial hyperkalemic periodic paralysis. Identifiers: Orphanet 682, MedGen C0238357, MONDO:0008224, OMIM 170500, HP:0007215.
SCN4A-related non-dystrophic myotonia.
Hypokalemic periodic paralysis, type 1. Also called: HypoPP; Hypokalemic Periodic Paralysis Type 1 (AD). Identifiers: Orphanet 681, MedGen C3714580, MONDO:0042979, OMIM 170400.

gnomAD v4.1: 2 of 1,608,578 alleles (0.00012%); highest among the groups gnomAD compares: South Asian, 0.0011%; no homozygotes.

Submissions (6):

Labcorp Genetics (formerly Invitae), Labcorp
Classification: Pathogenic for Hyperkalemic periodic paralysis. Last evaluated: 2026-01-15. Review status: criteria provided, single submitter. Criteria: Invitae Variant Classification Sherloc (09022015). Collection method: clinical testing. Allele origin: germline.
Comment: This sequence change replaces arginine, which is basic and polar, with histidine, which is basic and polar, at codon 1451 of the SCN4A protein (p.Arg1451His). This variant is not present in population databases (gnomAD no frequency). This missense change has been observed in individuals with clinical features of autosomal dominant SCN4A-related conditions (PMID: 27922499, 35907044; internal data). ClinVar contains an entry for this variant (Variation ID: 448280). Invitae Evidence Modeling of protein sequence and biophysical properties (such as structural, functional, and spatial information, amino acid conservation, physicochemical variation, residue mobility, and thermodynamic stability) indicates that this missense variant is expected to disrupt SCN4A protein function with a positive predictive value of 80%. This variant disrupts the p.Arg1451 amino acid residue in SCN4A. Other variant(s) that disrupt this residue have been determined to be pathogenic (PMID: 29391559, 29946067). This suggests that this residue is clinically significant, and that variants that disrupt this residue are likely to be disease-causing. For these reasons, this variant has been classified as Pathogenic.

Victorian Clinical Genetics Services, Murdoch Childrens Research Institute
Classification: Uncertain significance for Hyperkalemic periodic paralysis. Last evaluated: 2022-06-24. Review status: criteria provided, single submitter. Criteria: ACMG Guidelines, 2015. Collection method: clinical testing. Allele origin: germline. Inheritance: Autosomal dominant inheritance. Affected: yes.
Comment: Based on the classification scheme VCGS_Germline_v1.3.4, this variant is classified as VUS-3A. Following criteria are met: 0103 - Loss of function (LoF) and gain of function (GoF) are known mechanisms of disease in this gene and are associated with SCN4A-related disease. GoF is a well characterised disease mechanism for autosomal dominant SCN4A-related diseases, while LoF is a mechanism associated with autosomal recessive SCN4A-related diseases (PMID: 26700687, OMIM). (I) 0108 - This gene is associated with both recessive and dominant disease. Phenotypes involving paralysis and myotonia are typically inherited in a dominant manner, whereas myasthenic syndrome and congenital myopathy display recessive inheritance (OMIM, PMID: 26700687). (I) 0115 - Variants in this gene are known to have variable expressivity. Some individuals carrying pathogenic variants do not present with a typical clinical phenotype, however they do have detectable signs of myotonia on EMG (PMID: 20301669). (I) 0200 - Variant is predicted to result in a missense amino acid change from arginine to histidine. (I) 0252 - This variant is homozygous. (I) 0301 - Variant is absent from gnomAD (both v2 and v3). (SP) 0309 - Multiple alternative amino acid changes at the same position have been observed in gnomAD (v3) (highest allele count: 5 heterozygotes, 0 homozygotes). (I) 0501 - Missense variant consistently predicted to be damaging by multiple in silico tools or highly conserved with a major amino acid change. (SP) 0600 - Variant is located in the annotated ion transport protein domain (DECIPHER). (I) 0702 - Other missense variants comparable to the one identified in this case have strong previous evidence for pathogenicity. Two alternative changes have been observed in at least five individuals in the literature with SCN4A-related conditions. This includes several affected heterozygotes, and one homozygote who was affected with hypokalemic periodic paralysis (PMIDs: 29946067, 29391559). (SP) 0809 - Previous evidence of pathogenicity for this variant is inconclusive. This variant has been classified as a VUS by two clinical laboratories in ClinVar, and was observed in an individual with hyperkalemia and gait abnormalitites who was homozygous for this variant. This variant has also been observed as heterozygous in one individual in the literature who had a genetically confirmed diagnosis of myotonic dystrophy 2, in whom the SCN4A variant was thought to explain their severe muscle pain (PMID: 27922499). (I) 1007 - No published functional evidence has been identified for this variant. (I) 1101 - Very strong and specific phenotype match for this individual. (SP) 1208 - Inheritance information for this variant is not currently available in this individual. (I) Legend: (SP) - Supporting pathogenic, (I) - Information, (SB) - Supporting benign

Athena Diagnostics
Classification: Uncertain significance. Last evaluated: 2021-09-09. Review status: criteria provided, single submitter. Criteria: Athena Diagnostics Criteria. Collection method: clinical testing. Allele origin: unknown.

Revvity Omics, Revvity
Classification: Uncertain significance. Last evaluated: 2021-09-02. Review status: criteria provided, single submitter. Criteria: ACMG Guidelines, 2015. Collection method: clinical testing. Allele origin: germline.

Department of Neurology and Geriatrics, Kagoshima University Graduate School of Medical and Dental Sciences
Classification: Pathogenic for Hypokalemic periodic paralysis, type 1. Last evaluated: 2022-04-12. Review status: no assertion criteria provided. Collection method: research. Allele origin: germline. Affected: yes. Not counted in ClinVar's aggregate classification.

Department of Neurology and Geriatrics, Kagoshima University Graduate School of Medical and Dental Sciences
Classification: Likely pathogenic for SCN4A-related non-dystrophic myotonia. Last evaluated: 2022-04-06. Review status: no assertion criteria provided. Collection method: research. Allele origin: germline. Affected: yes. Not counted in ClinVar's aggregate classification.

Literature cited by the submitters: PubMed 27922499 (cited by 3 submitters); PubMed 35907044 (cited by Labcorp Genetics (formerly Invitae), Labcorp); PubMed 29391559 (cited by Labcorp Genetics (formerly Invitae), Labcorp and Victorian Clinical Genetics Services, Murdoch Childrens Research Institute); PubMed 29946067 (cited by Labcorp Genetics (formerly Invitae), Labcorp and Victorian Clinical Genetics Services, Murdoch Childrens Research Institute); PubMed 20301669 (cited by Victorian Clinical Genetics Services, Murdoch Childrens Research Institute); PubMed 26700687 (cited by Victorian Clinical Genetics Services, Murdoch Childrens Research Institute).